The following is an entry in ClinVar:

ClinVar aggregate classification (germline): Pathogenic (1 of 4 stars; one submission).

Conditions:
Carnitine palmitoyl transferase 1A deficiency. Also called: Carnitine palmitoyltransferase 1A deficiency; CPT deficiency, hepatic, type IA; Carnitine palmitoyltransferase type I deficiency; CPT I DEFICIENCY; CPT DEFICIENCY, HEPATIC, TYPE I. Identifiers: Orphanet 156, MedGen C1829703, MONDO:0009705, OMIM 255120.

Submission:

Myriad Genetics, Inc.
Classification: Pathogenic for Carnitine palmitoyl transferase 1A deficiency. Last evaluated: 2023-08-17. Review status: criteria provided, single submitter. Criteria: Myriad Autosomal Dominant, Autosomal Recessive and X-Linked Classification Criteria (2023). Collection method: clinical testing. Allele origin: unknown.
Comment: NM_001876.3(CPT1A):c.1757_1758delGCinsT(C586Ffs*8) is expected to be pathogenic in the context of carnitine palmitoyltransferase IA deficiency. This variant is predicted to lead to an abnormal or absent protein product due to the creation of a premature termination codon in CPT1A, a gene where loss-of-function variants are known to be pathogenic. Please note: this variant was assessed in the context of healthy population screening.

NM_001876.4(CPT1A):c.1757_1758delinsT (p.Cys586fs)

Gene: CPT1A (carnitine palmitoyltransferase 1A; minus strand). Cytogenetic location: 11q13.3.
Variant type: Indel.
Coding change: c.1757_1758delinsT on transcript NM_001876.4 (MANE Select); coding-DNA positions 1757 to 1758, GC replaced by T.
Protein change: p.Cys586fs; shifts the reading frame from cysteine 586.
Molecular consequence: frameshift variant.
Genome position (GRCh38, 1-based): chr11:68,762,744-68,762,745, GC replaced by A on the plus strand (GC replaced by T on the coding strand, the reverse complement: CPT1A is on the minus strand). VCF-style: chr11-68762744-GC-A. GRCh37 (hg19) VCF-style: chr11-68530212-GC-A.
Other names: c.1757_1758delinsT, p.Cys586fs (NM_001031847.3, NM_001440358.1, NM_001440359.1 and 3 more transcripts); c.1649_1650delinsT, p.Cys550fs (NM_001440363.1); c.1571_1572delinsT, p.Cys524fs (NM_001440365.1); short protein forms C524fs, C550fs, C586fs.
Identifiers: ClinVar variation 5011363 (VCV005011363.1).